The following is an entry in ClinVar:

NM_024537.4(CARS2):c.1623+3G>C

Gene: CARS2 (cysteinyl-tRNA synthetase 2, mitochondrial; minus strand). Cytogenetic location: 13q34.
Variant type: single nucleotide variant.
Coding change: c.1623+3G>C on transcript NM_024537.4 (MANE Select); 3 bases into the intron after coding-DNA position 1623, G replaced by C.
Molecular consequence: intron variant.
Genome position (GRCh38, 1-based): chr13:110,642,312, C>G on the plus strand (G>C on the coding strand, the complement: CARS2 is on the minus strand). VCF-style: chr13-110642312-C-G. GRCh37 (hg19) VCF-style: chr13-111294659-C-G.
Other names: c.837+3G>C (NM_001352252.2).
Identifiers: ClinVar variation 1363855 (VCV001363855.3), dbSNP rs554100218, ClinGen allele CA2573149490.

ClinVar aggregate classification (germline): Uncertain significance (1 of 4 stars; one submission).

Conditions:
Combined oxidative phosphorylation defect type 27. Also called: Combined oxidative phosphorylation deficiency 27. Identifiers: Orphanet 477774, MedGen C5567608, MONDO:0014728, OMIM 616672.

Submission:

Labcorp Genetics (formerly Invitae), Labcorp
Classification: Uncertain significance for Combined oxidative phosphorylation defect type 27. Last evaluated: 2022-01-19. Review status: criteria provided, single submitter. Criteria: Invitae Variant Classification Sherloc (09022015). Collection method: clinical testing. Allele origin: germline.
Comment: This sequence change falls in intron 14 of the CARS2 gene. It does not directly change the encoded amino acid sequence of the CARS2 protein. It affects a nucleotide within the consensus splice site. This variant is not present in population databases (gnomAD no frequency). This variant has not been reported in the literature in individuals affected with CARS2-related conditions. Variants that disrupt the consensus splice site are a relatively common cause of aberrant splicing (PMID: 17576681, 9536098). Algorithms developed to predict the effect of sequence changes on RNA splicing suggest that this variant may disrupt the consensus splice site. In summary, the available evidence is currently insufficient to determine the role of this variant in disease. Therefore, it has been classified as a Variant of Uncertain Significance.

Literature cited by the submitters: PubMed 17576681; PubMed 9536098.